The following is an entry in ClinVar:

NM_014633.5(CTR9):c.1532G>A (p.Cys511Tyr)

Genes: CTR9 (CTR9 component of Paf1/RNA polymerase II complex; plus strand), LOC126861140 (CDK7 strongly-dependent group 2 enhancer GRCh37_chr11:10785333-10786532; plus strand). Cytogenetic location: 11p15.4.
Variant type: single nucleotide variant.
Coding change: c.1532G>A on transcript NM_014633.5 (MANE Select); coding-DNA position 1532, G replaced by A.
Protein change: p.Cys511Tyr; replaces cysteine 511 with tyrosine.
Molecular consequence: missense variant.
Genome position (GRCh38, 1-based): chr11:10,764,666, G>A. VCF-style: chr11-10764666-G-A. GRCh37 (hg19) VCF-style: chr11-10786213-G-A.
Other names: c.1532G>A, p.Cys511Tyr (NM_001346279.2); short protein forms C511Y.
Identifiers: ClinVar variation 2172597 (VCV002172597.4), dbSNP rs150057656, ClinGen allele CA5885123.

ClinVar aggregate classification (germline): Uncertain significance (1 of 4 stars; one submission).

Allele frequency attached by ClinVar (database versions not stated): gnomAD 0.00002; ExAC 0.00003; TOPMed 0.00003; gnomAD exomes 0.00004; ESP Exome Variant Server 0.00008.
gnomAD v4.1: 66 of 1,612,882 alleles (0.0041%); highest among the groups gnomAD compares: Non-Finnish European, 0.0053%; no homozygotes.

Submission:

Labcorp Genetics (formerly Invitae), Labcorp
Classification: Uncertain significance. Last evaluated: 2023-06-02. Review status: criteria provided, single submitter. Criteria: Invitae Variant Classification Sherloc (09022015). Collection method: clinical testing. Allele origin: germline.
Comment: This sequence change replaces cysteine, which is neutral and slightly polar, with tyrosine, which is neutral and polar, at codon 511 of the CTR9 protein (p.Cys511Tyr). This variant is present in population databases (rs150057656, gnomAD 0.005%). This variant has not been reported in the literature in individuals affected with CTR9-related conditions. ClinVar contains an entry for this variant (Variation ID: 2172597). An algorithm developed to predict the effect of missense changes on protein structure and function (PolyPhen-2) suggests that this variant is likely to be tolerated. In summary, the available evidence is currently insufficient to determine the role of this variant in disease. Therefore, it has been classified as a Variant of Uncertain Significance.